The following is an entry in ClinVar:

ClinVar aggregate classification (germline): Uncertain significance (1 of 4 stars; one submission).

Conditions:
Hereditary cancer-predisposing syndrome. Also called: Tumor predisposition; Neoplastic Syndromes, Hereditary; Hereditary Cancer Syndrome; Hereditary neoplastic syndrome. Identifiers: Orphanet 140162, MedGen C0027672, MeSH D009386, MONDO:0015356.

Submission:

Ambry Genetics
Classification: Uncertain significance for Hereditary cancer-predisposing syndrome. Last evaluated: 2024-12-03. Review status: criteria provided, single submitter. Criteria: Ambry Variant Classification Scheme 2023. Collection method: clinical testing. Allele origin: germline.
Comment: The p.R1895* variant (also known as c.5683C>T), located in coding exon 26 of the DICER1 gene, results from a C to T substitution at nucleotide position 5683. This changes the amino acid from an arginine to a stop codon within coding exon 26. This alteration occurs at the 3' terminus of theDICER1 gene, is not expected to trigger nonsense-mediated mRNAdecay, and only impacts the last 1.5% of the protein. The exact functional effect of this alteration is unknown. Based on the available evidence, the clinical significance of this variant remains unclear.

NM_177438.3(DICER1):c.5683C>T (p.Arg1895Ter)

Gene: DICER1 (dicer 1, ribonuclease III; minus strand). Cytogenetic location: 14q32.13.
Variant type: single nucleotide variant.
Coding change: c.5683C>T on transcript NM_177438.3 (MANE Select); coding-DNA position 5683, C replaced by T.
Protein change: p.Arg1895Ter; replaces arginine 1895 with a stop codon.
Molecular consequence: nonsense. On other transcripts: 3 prime UTR variant (1), non-coding transcript variant (6).
Genome position (GRCh38, 1-based): chr14:95,090,584, G>A on the plus strand (C>T on the coding strand, the complement: DICER1 is on the minus strand). VCF-style: chr14-95090584-G-A. GRCh37 (hg19) VCF-style: chr14-95556921-G-A.
Other names: c.*30C>T (NM_001195573.1); c.5683C>T, p.Arg1895Ter (NM_001271282.3, NM_001291628.2, NM_001395677.1 and 7 more transcripts); c.5401C>T, p.Arg1801Ter (NM_001395686.1); c.5278C>T, p.Arg1760Ter (NM_001395687.1, NM_001395688.1, NM_001395689.1 and 1 more transcripts); c.5116C>T, p.Arg1706Ter (NM_001395691.1); c.4000C>T, p.Arg1334Ter (NM_001395697.1); short protein forms R1760*, R1801*, R1895*, R1334*, R1706*.
Identifiers: ClinVar variation 3501813 (VCV003501813.1).